The following is an entry in ClinVar:

NM_004098.4(EMX2):c.595A>C (p.Lys199Gln)

Gene: EMX2 (empty spiracles homeobox 2; plus strand). Cytogenetic location: 10q26.11.
Variant type: single nucleotide variant.
Coding change: c.595A>C on transcript NM_004098.4 (MANE Select); coding-DNA position 595, A replaced by C.
Protein change: p.Lys199Gln; replaces lysine 199 with glutamine.
Molecular consequence: missense variant.
Genome position (GRCh38, 1-based): chr10:117,548,068, A>C. VCF-style: chr10-117548068-A-C. GRCh37 (hg19) VCF-style: chr10-119307579-A-C.
Other names: c.410A>C, p.Lys137Thr (NM_001165924.2); short protein forms K137T, K199Q.
Identifiers: ClinVar variation 3896705 (VCV003896705.1).

ClinVar aggregate classification (germline): Likely pathogenic (1 of 4 stars; one submission).

Conditions:
Congenital hypogonadotropic hypogonadism. Identifiers: Orphanet 174590, MedGen C3899503, MONDO:0015770.

Submission:

Reproductive Endocrine Unit, Massachusetts General Hospital
Classification: Likely pathogenic for Congenital hypogonadotropic hypogonadism. Last evaluated: 2025-05-01. Review status: criteria provided, single submitter. Criteria: ACMG Guidelines, 2015. Collection method: research. Allele origin: unknown. Inheritance: Autosomal dominant inheritance. Affected: yes. Observed: 1 variant allele, 1 heterozygote.
Comment: Lys199Gln meets the PS2, PM1, PM2, PP3, and PP4 ACMG criteria. In summary, the Lys199Gln is classified as likely pathogenic based upon the information we were able to obtain